The following is an entry in ClinVar:

ClinVar aggregate classification (germline): Pathogenic. Review status: reviewed by expert panel (3 of 4 stars). 13 submissions from 13 submitters: Pathogenic (1). 12 of the submissions do not count toward it. Last evaluated 2016-09-08.

Conditions:
Breast-ovarian cancer, familial, susceptibility to, 2 (BROVCA2). Also called: BRCA2 Hereditary Breast and Ovarian Cancer. Identifiers: Orphanet 145, MedGen C2675520, MONDO:0012933, OMIM 612555. Disease mechanism: loss of function.
Familial cancer of breast. Also called: hereditary breast carcinoma; BREAST CANCER, FAMILIAL; Hereditary breast cancer. Identifiers: Orphanet 227535, MedGen C0346153, MONDO:0016419, OMIM 114480. Disease mechanism: loss of function.
Prostate cancer. Also called: Malignant tumor of prostate. Identifiers: Orphanet 1331, MedGen C0376358, MONDO:0008315, HP:0012125.
BRCA2-related disorder. Also called: BRCA2-related condition; BRCA2-related disorders. Identifiers: MedGen CN239275.
Hereditary cancer-predisposing syndrome. Also called: Hereditary Cancer Syndrome; Neoplastic Syndromes, Hereditary; Hereditary neoplastic syndrome; Tumor predisposition. Identifiers: Orphanet 140162, MedGen C0027672, MeSH D009386, MONDO:0015356.
Hereditary breast ovarian cancer syndrome. Also called: Hereditary breast and ovarian cancer syndrome; Breast and ovarian cancer; Hereditary breast and ovarian cancer syndrome (HBOC); BRCA1- and BRCA2-Associated Hereditary Breast and Ovarian Cancer; Hereditary breast and/or ovarian cancer syndrome; Hereditary breast and ovarian cancer. Identifiers: Orphanet 145, MedGen C0677776, MeSH D061325, MONDO:0003582. Disease mechanism: loss of function.
Malignant tumor of breast. Also called: Malignant breast neoplasm; Cancer breast. Identifiers: MedGen C0006142, MONDO:0007254. Disease mechanism: loss of function.

Allele frequency attached by ClinVar (database versions not stated): gnomAD 0.00001.
gnomAD v4.1: 1 of 1,583,684 alleles (0.000063%); highest among the groups gnomAD compares: African/African-American, 0.0014%; no homozygotes.

Submissions 1 to 9 of 13:

Evidence-based Network for the Interpretation of Germline Mutant Alleles (ENIGMA)
Classification: Pathogenic for Breast-ovarian cancer, familial, susceptibility to, 2. Last evaluated: 2016-09-08. Review status: reviewed by expert panel. Criteria: ENIGMA BRCA1/2 Classification Criteria (2015). Collection method: curation. Allele origin: germline.
Comment: Variant allele predicted to encode a truncated non-functional protein.

Labcorp Genetics (formerly Invitae), Labcorp
Classification: Pathogenic for Hereditary breast ovarian cancer syndrome. Last evaluated: 2025-04-03. Review status: criteria provided, single submitter. Criteria: Invitae Variant Classification Sherloc (09022015). Collection method: clinical testing. Allele origin: germline. Not counted in ClinVar's aggregate classification.
Comment: This sequence change creates a premature translational stop signal (p.Ser871*) in the BRCA2 gene. It is expected to result in an absent or disrupted protein product. Loss-of-function variants in BRCA2 are known to be pathogenic (PMID: 20104584). This variant is present in population databases (rs397507634, gnomAD 0.01%). This variant has not been reported in the literature in individuals affected with BRCA2-related conditions. ClinVar contains an entry for this variant (Variation ID: 51315). For these reasons, this variant has been classified as Pathogenic.

Ambry Genetics
Classification: Pathogenic for Hereditary cancer-predisposing syndrome. Last evaluated: 2023-02-06. Review status: criteria provided, single submitter. Criteria: Ambry Variant Classification Scheme 2023. Collection method: clinical testing. Allele origin: germline. Not counted in ClinVar's aggregate classification.
Comment: The p.S871* pathogenic mutation (also known as c.2612C>A), located in coding exon 10 of the BRCA2 gene, results from a C to A substitution at nucleotide position 2612. This changes the amino acid from a serine to a stop codon within coding exon 10. This alteration has been detected in an ovarian cancer patient in a cohort study of ovarian cancer patients undergoing germline testing for BRCA1 and BRCA2 (Labidi-Galy SI et al. Clin. Cancer Res., 2018 01;24:326-333). This alteration has been reported in multiple breast cancer patients in studies of Asian breast cancer cohorts (Kwong A et al. J. Med. Genet., 2016 Jan;53:15-23; Wen WX et al. J. Med. Genet., 2018 02;55:97-103). This alteration was also identified in a large, worldwide study of BRCA1 and BRCA2 mutation-positive families (Rebbeck TR et al. Hum. Mutat., 2018 05;39:593-620). In addition to the clinical data presented in the literature, this alteration is expected to result in loss of function by premature protein truncation or nonsense-mediated mRNA decay. As such, this alteration is interpreted as a disease-causing mutation.

Color Diagnostics, LLC DBA Color Health
Classification: Pathogenic for Hereditary cancer-predisposing syndrome. Last evaluated: 2022-08-15. Review status: criteria provided, single submitter. Criteria: ACMG Guidelines, 2015. Collection method: clinical testing. Allele origin: germline. Not counted in ClinVar's aggregate classification.
Comment: This variant changes 1 nucleotide in exon 11 of the BRCA2 gene, creating a premature translation stop signal. This variant is expected to result in an absent or non-functional protein product. This variant has been reported in individuals affected with a personal and/or family history of breast and ovarian cancer (PMID: 21120943, 28993434, 29084914, 29446198, 32341426, 34452747) and in a control individual for a lobular breast cancer case-control study (PMID: 31263054). This variant has been identified in 1/31350 chromosomes in the general population by the Genome Aggregation Database (gnomAD). Loss of BRCA2 function is a known mechanism of disease. Based on the available evidence, this variant is classified as Pathogenic.

GeneDx
Classification: Pathogenic. Last evaluated: 2022-08-02. Review status: criteria provided, single submitter. Criteria: GeneDx Variant Classification Process June 2021. Collection method: clinical testing. Allele origin: germline. Affected: yes. Not counted in ClinVar's aggregate classification.
Comment: Nonsense variant predicted to result in protein truncation or nonsense mediated decay in a gene for which loss of function is a known mechanism of disease; Not observed at significant frequency in large population cohorts (gnomAD); Observed in individuals with breast and/or ovarian cancer (Coulet et al., 2020; Labidi-Galy et al., 2018; De Talhouet et al., 2020); Truncating variants in this gene are considered pathogenic by a well-established clinical consortium and/or database; Also known as 2840C>A; This variant is associated with the following publications: (PMID: 25525159, 20858050, 29446198, 32341426, 30720243, 29084914, 34367235, 33858029)

Quest Diagnostics Nichols Institute San Juan Capistrano
Classification: Pathogenic. Last evaluated: 2022-01-07. Review status: criteria provided, single submitter. Criteria: Quest Diagnostics criteria. Collection method: clinical testing. Allele origin: unknown. Not counted in ClinVar's aggregate classification.
Comment: This nonsense variant causes the premature termination of BRCA2 protein synthesis. The frequency of this variant in the general population, 0.00011 (1/8706 chromosomes), is consistent with pathogenicity. In the published literature, the variant has been reported in individuals and families with hereditary breast and ovarian cancer (PMIDs: 32341426 (2020), 29084914 (2018), 28993434 (2018), 22762150 (2012), 21120943 (2011), 20858050 (2010)). Based on the available information, this variant is classified as pathogenic.

Sema4
Classification: Pathogenic for Hereditary cancer-predisposing syndrome. Last evaluated: 2021-12-01. Review status: criteria provided, single submitter. Criteria: Sema4 Curation Guidelines. Collection method: curation. Allele origin: germline. Not counted in ClinVar's aggregate classification.
Comment: The BRCA2 c.2612C>A (p.S871*) variant has been reported in heterozygosity in several individuals with breast and/or ovarian cancer (PMID: 21120943, 22762150, 26187060, 28993434, 29084914, 29446198, 32341426). This nonsense variant creates a premature stop codon at residue 871 of the BRCA2 protein. At this location, the variant is predicted to cause loss of normal protein function through nonsense-mediated mRNA decay or protein truncation. Loss of function variants in BRCA2 are known to be pathogenic (PMID: 29446198). It was observed in 1/8706 chromosomes of the African/African American subpopulation in the large and broad cohorts of the Genome Aggregation Database (PMID: 32461654). The variant has been reported in ClinVar (Variation ID 51315). Based on the current evidence available, this variant is interpreted as pathogenic.

Women's Health and Genetics/Laboratory Corporation of America, LabCorp
Classification: Pathogenic for Hereditary breast and ovarian cancer syndrome. Last evaluated: 2019-09-06. Review status: criteria provided, single submitter. Criteria: LabCorp Variant Classification Summary - May 2015. Collection method: clinical testing. Allele origin: germline. Not counted in ClinVar's aggregate classification.
Comment: Variant summary: BRCA2 c.2612C>A (p.Ser871X) results in a premature termination codon, predicted to cause a truncation of the encoded protein or absence of the protein due to nonsense mediated decay, which are commonly known mechanisms for disease. Truncations downstream of this position have been classified as pathogenic by our laboratory. The variant was absent in 222380 control chromosomes. c.2612C>A has been reported in the literature in individuals affected or suspected to be affected with Hereditary Breast and Ovarian Cancer (e.g. Coulet_2010, Wen_2017, Labidi-Galy_2018, Rebbeck_2018). These data indicate that the variant is likely to be associated with disease. To our knowledge, no experimental evidence demonstrating an impact on protein function has been reported. Three other submissions to ClinVar (evaluation after 2014, including one expert panel-ENIGMA) cited the variant as pathogenic. Based on the evidence outlined above, the variant was classified as pathogenic.

Equipe Genetique des Anomalies du Developpement, Université de Bourgogne
Classification: Likely pathogenic for Familial cancer of breast; Breast-ovarian cancer, familial, susceptibility to, 2; Familial prostate cancer. Last evaluated: 2019-05-06. Review status: criteria provided, single submitter. Criteria: ACMG Guidelines, 2015. Collection method: clinical testing. Allele origin: unknown. Affected: yes. Not counted in ClinVar's aggregate classification.

NM_000059.4(BRCA2):c.2612C>A (p.Ser871Ter)

Gene: BRCA2 (BRCA2 DNA repair associated; plus strand). Cytogenetic location: 13q13.1.
Variant type: single nucleotide variant.
Coding change: c.2612C>A on transcript NM_000059.4 (MANE Select); coding-DNA position 2612, C replaced by A.
Protein change: p.Ser871Ter; replaces serine 871 with a stop codon.
Molecular consequence: nonsense.
Genome position (GRCh38, 1-based): chr13:32,336,967, C>A. VCF-style: chr13-32336967-C-A. GRCh37 (hg19) VCF-style: chr13-32911104-C-A.
Other names: 2840C>A; c.2612C>A (LRG_293t1); short protein forms S871*.
Identifiers: ClinVar variation 51315 (VCV000051315.61), dbSNP rs397507634, ClinGen allele CA015821.
Genomic context (GRCh38, chr13:32,336,967, plus strand): 5'-TCAACCAAAACACAAATCTAAGAGTAATCCAAAAAAATCAAGAAGAAACTACTTCAATTT[C>A]AAAAATAACTGTCAATCCAGACTCTGAAGAACTTTTCTCAGACAATGAGAATAATTTTGT-3'